The following is an entry in ClinVar:

ClinVar aggregate classification (germline): Uncertain significance (1 of 4 stars; one submission).

Allele frequency attached by ClinVar (database versions not stated): gnomAD 0.00003; TOPMed 0.00008.
gnomAD v4.1: 18 of 1,604,696 alleles (0.0011%); highest among the groups gnomAD compares: Admixed American, 0.027%; no homozygotes.

Submission:

Labcorp Genetics (formerly Invitae), Labcorp
Classification: Uncertain significance. Last evaluated: 2022-02-12. Review status: criteria provided, single submitter. Criteria: Invitae Variant Classification Sherloc (09022015). Collection method: clinical testing. Allele origin: germline.
Comment: Algorithms developed to predict the effect of missense changes on protein structure and function are either unavailable or do not agree on the potential impact of this missense change (SIFT: "Deleterious"; PolyPhen-2: "Benign"; Align-GVGD: "Class C25"). This variant has not been reported in the literature in individuals affected with ORC4-related conditions. This variant is present in population databases (rs767305708, gnomAD 0.02%). This sequence change replaces isoleucine, which is neutral and non-polar, with threonine, which is neutral and polar, at codon 329 of the ORC4 protein (p.Ile329Thr). In summary, the available evidence is currently insufficient to determine the role of this variant in disease. Therefore, it has been classified as a Variant of Uncertain Significance.

NM_181741.4(ORC4):c.986T>C (p.Ile329Thr)

Gene: ORC4 (origin recognition complex subunit 4; minus strand). Cytogenetic location: 2q23.1.
Variant type: single nucleotide variant.
Coding change: c.986T>C on transcript NM_181741.4 (MANE Select); coding-DNA position 986, T replaced by C.
Protein change: p.Ile329Thr; replaces isoleucine 329 with threonine.
Molecular consequence: missense variant.
Genome position (GRCh38, 1-based): chr2:147,938,366, A>G on the plus strand (T>C on the coding strand, the complement: ORC4 is on the minus strand). VCF-style: chr2-147938366-A-G. GRCh37 (hg19) VCF-style: chr2-148695935-A-G.
Other names: c.986T>C, p.Ile329Thr (NM_001190879.3, NM_001374270.1, NM_002552.5 and 1 more transcripts); c.734T>C, p.Ile245Thr (NM_001190881.3, NM_001374272.1); c.764T>C, p.Ile255Thr (NM_001190882.3); short protein forms I329T, I255T, I245T.
Identifiers: ClinVar variation 1979948 (VCV001979948.2), dbSNP rs767305708, ClinGen allele CA1899417.